The following is an entry in ClinVar:

NM_198281.3(GPRIN3):c.402C>T (p.Thr134=)

Gene: GPRIN3 (GPRIN family member 3; minus strand). Cytogenetic location: 4q22.1.
Variant type: single nucleotide variant.
Coding change: c.402C>T on transcript NM_198281.3 (MANE Select); coding-DNA position 402, C replaced by T.
Protein change: p.Thr134=; no amino-acid change (threonine 134 retained).
Molecular consequence: synonymous variant.
Genome position (GRCh38, 1-based): chr4:89,249,709, G>A on the plus strand (C>T on the coding strand, the complement: GPRIN3 is on the minus strand). VCF-style: chr4-89249709-G-A. GRCh37 (hg19) VCF-style: chr4-90170860-G-A.
Identifiers: ClinVar variation 3904908 (VCV003904908.10).

ClinVar aggregate classification (germline): Likely benign (1 of 4 stars; one submission).

gnomAD v4.1: 408 of 1,614,206 alleles (0.025%); highest among the groups gnomAD compares: South Asian, 0.42%; 2 homozygotes.

Submission:

CeGaT Center for Human Genetics Tuebingen
Classification: Likely benign. Last evaluated: 2025-06-01. Review status: criteria provided, single submitter. Criteria: CeGaT Center For Human Genetics Tuebingen Variant Classification Criteria Version 2. Collection method: clinical testing. Allele origin: germline. Affected: yes. Observed: 1 variant allele.
Comment: GPRIN3: BP4, BP7